The following is an entry in ClinVar:

NM_003119.4(SPG7):c.560C>T (p.Pro187Leu)

Gene: SPG7 (SPG7 matrix AAA peptidase subunit, paraplegin; plus strand). Cytogenetic location: 16q24.3.
Variant type: single nucleotide variant.
Coding change: c.560C>T on transcript NM_003119.4 (MANE Select); coding-DNA position 560, C replaced by T.
Protein change: p.Pro187Leu; replaces proline 187 with leucine.
Molecular consequence: missense variant.
Genome position (GRCh38, 1-based): chr16:89,524,189, C>T. VCF-style: chr16-89524189-C-T. GRCh37 (hg19) VCF-style: chr16-89590597-C-T.
Other names: c.560C>T, p.Pro187Leu (NM_001363850.1, NM_199367.3); c.560C>T (NM_003119.2); short protein forms P187L.
Identifiers: ClinVar variation 1509064 (VCV001509064.7), dbSNP rs2152399546, ClinGen allele CA397417702.

ClinVar aggregate classification (germline): Uncertain significance. Review status: criteria provided, multiple submitters, no conflicts (2 of 4 stars). 2 submissions from 2 submitters: Uncertain significance (2). Last evaluated 2025-08-12.

Conditions:
Inborn genetic diseases. Identifiers: MedGen C0950123, MeSH D030342.
Hereditary spastic paraplegia 7 (SPG7). Also called: SPASTIC PARAPLEGIA 7, AUTOSOMAL RECESSIVE, WITH OR WITHOUT CEREBELLAR ATAXIA; Spastic paraplegia 7; Hereditary spastic paraplegia Paraplegin type; Autosomal recessive spastic paraplegia type 7; SPG7-related neurologic disorder. Identifiers: Orphanet 99013, MedGen C1846564, MONDO:0011803, OMIM 607259.

gnomAD v4.1: 1 of 1,613,928 alleles (0.000062%); highest among the groups gnomAD compares: African/African-American, 0.0013%; no homozygotes.

Submissions (2):

Ambry Genetics
Classification: Uncertain significance for Inborn genetic diseases. Last evaluated: 2025-08-12. Review status: criteria provided, single submitter. Criteria: Ambry Variant Classification Scheme 2023. Collection method: clinical testing. Allele origin: germline.

Labcorp Genetics (formerly Invitae), Labcorp
Classification: Uncertain significance for Hereditary spastic paraplegia 7. Last evaluated: 2024-11-11. Review status: criteria provided, single submitter. Criteria: Invitae Variant Classification Sherloc (09022015). Collection method: clinical testing. Allele origin: germline.
Comment: This sequence change replaces proline, which is neutral and non-polar, with leucine, which is neutral and non-polar, at codon 187 of the SPG7 protein (p.Pro187Leu). This variant is not present in population databases (gnomAD no frequency). This variant has not been reported in the literature in individuals affected with SPG7-related conditions. ClinVar contains an entry for this variant (Variation ID: 1509064). Invitae Evidence Modeling of protein sequence and biophysical properties (such as structural, functional, and spatial information, amino acid conservation, physicochemical variation, residue mobility, and thermodynamic stability) indicates that this missense variant is not expected to disrupt SPG7 protein function with a negative predictive value of 80%. In summary, the available evidence is currently insufficient to determine the role of this variant in disease. Therefore, it has been classified as a Variant of Uncertain Significance.